The following is an entry in ClinVar:

NM_024989.4(PGAP1):c.1729-16_1729-13del

Gene: PGAP1 (post-GPI attachment to proteins inositol deacylase 1; minus strand). Cytogenetic location: 2q33.1.
Variant type: Deletion.
Coding change: c.1729-16_1729-13del on transcript NM_024989.4 (MANE Select); 16 bases into the intron before coding-DNA position 1729 through 13 bases into the intron before coding-DNA position 1729, 4 bases deleted (AATT; older notation c.1729-16_1729-13delAATT).
Molecular consequence: intron variant.
Genome position (GRCh38, 1-based): chr2:196,870,992-196,870,995, AATT deleted on the plus strand (AATT on the coding strand, the reverse complement: PGAP1 is on the minus strand); deleting any 4 consecutive bases within chr2:196,870,992-196,870,996 gives the same sequence; the c. name uses the placement nearest the transcript's 3' end. VCF-style (leftmost placement, unchanged base first): chr2-196870991-CAATT-C. GRCh37 (hg19) VCF-style: chr2-197735715-CAATT-C.
Other names: c.562-16_562-13del (NM_001321100.2); c.1207-16_1207-13del (NM_001321099.2).
Identifiers: ClinVar variation 2144450 (VCV002144450.1), dbSNP rs756780714, ClinGen allele CA2040812.
Genomic context (GRCh38, chr2:196,870,991, plus strand): 5'-TCTCTCTTACCTGTCCAAGTATTTGTGAAAAGGAAGTCTTAACTGTCACCTAGTTTAAAA[CAATT>C]ATTGAAAAAAAAGGTTATTTTCCTCTAAACTCCTTTACATTTTATTAAATTGAGCACTTA-3'

ClinVar aggregate classification (germline): Uncertain significance (1 of 4 stars; one submission).

Conditions:
Intellectual disability, autosomal recessive 42 (NEDDSBA). Also called: GLYCOSYLPHOSPHATIDYLINOSITOL BIOSYNTHESIS DEFECT 9; Neurodevelopmental disorder with dysmorphic features, spasticity, and brain abnormalities. Identifiers: Orphanet 88616, MedGen C4014343, MONDO:0014348, OMIM 615802.

Submission:

Labcorp Genetics (formerly Invitae), Labcorp
Classification: Uncertain significance for Intellectual disability, autosomal recessive 42. Last evaluated: 2022-07-14. Review status: criteria provided, single submitter. Criteria: Invitae Variant Classification Sherloc (09022015). Collection method: clinical testing. Allele origin: germline.
Comment: This sequence change falls in intron 18 of the PGAP1 gene. It does not directly change the encoded amino acid sequence of the PGAP1 protein. This variant is present in population databases (rs756780714, gnomAD 0.006%). This variant has not been reported in the literature in individuals affected with PGAP1-related conditions. Algorithms developed to predict the effect of sequence changes on RNA splicing suggest that this variant may create or strengthen a splice site. In summary, the available evidence is currently insufficient to determine the role of this variant in disease. Therefore, it has been classified as a Variant of Uncertain Significance.